The following is an entry in ClinVar:

ClinVar aggregate classification (germline): Uncertain significance (1 of 4 stars; one submission).

Submission:

GeneDx
Classification: Uncertain significance. Last evaluated: 2022-10-25. Review status: criteria provided, single submitter. Criteria: GeneDx Variant Classification Process June 2021. Collection method: clinical testing. Allele origin: germline. Affected: yes.
Comment: Not observed at significant frequency in large population cohorts (gnomAD); In silico analysis supports that this missense variant does not alter protein structure/function; Has not been previously published as pathogenic or benign to our knowledge

NM_002516.4(NOVA2):c.761G>C (p.Gly254Ala)

Gene: NOVA2 (NOVA alternative splicing regulator 2; minus strand). Cytogenetic location: 19q13.32.
Variant type: single nucleotide variant.
Coding change: c.761G>C on transcript NM_002516.4 (MANE Select); coding-DNA position 761, G replaced by C.
Protein change: p.Gly254Ala; replaces glycine 254 with alanine.
Molecular consequence: missense variant.
Genome position (GRCh38, 1-based): chr19:45,940,581, C>G on the plus strand (G>C on the coding strand, the complement: NOVA2 is on the minus strand). VCF-style: chr19-45940581-C-G. GRCh37 (hg19) VCF-style: chr19-46443839-C-G.
Other names: short protein forms G254A.
Identifiers: ClinVar variation 2500426 (VCV002500426.1), dbSNP rs2513852546, ClinGen allele CA406435061.